The following is an entry in ClinVar:

NM_003128.3(SPTBN1):c.319C>T (p.Arg107Ter)

Gene: SPTBN1 (spectrin beta, non-erythrocytic 1; plus strand). Cytogenetic location: 2p16.2.
Variant type: single nucleotide variant.
Coding change: c.319C>T on transcript NM_003128.3 (MANE Select); coding-DNA position 319, C replaced by T.
Protein change: p.Arg107Ter; replaces arginine 107 with a stop codon.
Molecular consequence: nonsense.
Genome position (GRCh38, 1-based): chr2:54,612,179, C>T. VCF-style: chr2-54612179-C-T. GRCh37 (hg19) VCF-style: chr2-54839316-C-T.
Other names: c.280C>T, p.Arg94Ter (NM_178313.3); short protein forms R107*, R94*.
Identifiers: ClinVar variation 4876787 (VCV004876787.1).

ClinVar aggregate classification (germline): Likely pathogenic (1 of 4 stars; one submission).

Conditions:
Developmental delay, impaired speech, and behavioral abnormalities. Identifiers: MedGen C5561957, MONDO:0859178, OMIM 619475.

gnomAD v4.1: 1 of 1,606,248 alleles (0.000062%); highest among the groups gnomAD compares: Non-Finnish European, 0.000085%; no homozygotes.

Submission:

Human Genetics Bochum, Ruhr University Bochum
Classification: Likely pathogenic for Developmental delay, impaired speech, and behavioral abnormalities. Last evaluated: 2026-01-27. Review status: criteria provided, single submitter. Criteria: ACMG Guidelines, 2015. Collection method: clinical testing. Allele origin: germline. Affected: yes.
Comment: ACMG criteria used to clasify this variant: PVS1, PM2_SUP